The following is an entry in ClinVar:

NM_001370298.3(FGD4):c.2117A>G (p.Lys706Arg)

Gene: FGD4 (FYVE, RhoGEF and PH domain containing 4; plus strand). Cytogenetic location: 12p11.21.
Variant type: single nucleotide variant.
Coding change: c.2117A>G on transcript NM_001370298.3 (MANE Select); coding-DNA position 2117, A replaced by G.
Protein change: p.Lys706Arg; replaces lysine 706 with arginine.
Molecular consequence: missense variant.
Genome position (GRCh38, 1-based): chr12:32,625,724, A>G. VCF-style: chr12-32625724-A-G. GRCh37 (hg19) VCF-style: chr12-32778658-A-G.
Other names: c.1961A>G, p.Lys654Arg (NM_001304481.2); c.962A>G, p.Lys321Arg (NM_001304483.2); c.674A>G, p.Lys225Arg (NM_001304484.2); c.1427A>G, p.Lys476Arg (NM_001330373.2, NM_001330374.2, NM_001384130.1); c.1154A>G, p.Lys385Arg (NM_001370297.1); c.2117A>G, p.Lys706Arg (NM_001384126.1); c.1706A>G, p.Lys569Arg (NM_001384127.1, NM_001384128.1, NM_001385118.1 and 1 more transcripts); short protein forms K225R, K385R, K321R, K476R, K654R, K569R, K706R.
Identifiers: ClinVar variation 849078 (VCV000849078.9), dbSNP rs1950119263, ClinGen allele CA384367724.

ClinVar aggregate classification (germline): Uncertain significance (1 of 4 stars; one submission).

Conditions:
Charcot-Marie-Tooth disease type 4. Also called: Charcot-Marie-Tooth, Type 4; Charcot-Marie-Tooth disease, type IV. Identifiers: Orphanet 64749, MedGen C4082197, MONDO:0018995.

Allele frequency attached by ClinVar (database versions not stated): gnomAD exomes below 0.00001.
gnomAD v4.1: 3 of 1,614,076 alleles (0.00019%); highest among the groups gnomAD compares: South Asian, 0.0022%; no homozygotes.

Submission:

Labcorp Genetics (formerly Invitae), Labcorp
Classification: Uncertain significance for Charcot-Marie-Tooth disease type 4. Last evaluated: 2019-12-05. Review status: criteria provided, single submitter. Criteria: Invitae Variant Classification Sherloc (09022015). Collection method: clinical testing. Allele origin: germline.
Comment: This sequence change replaces lysine with arginine at codon 569 of the FGD4 protein (p.Lys569Arg). The lysine residue is highly conserved and there is a small physicochemical difference between lysine and arginine. This variant is not present in population databases (ExAC no frequency). This variant has not been reported in the literature in individuals with FGD4-related conditions. Algorithms developed to predict the effect of missense changes on protein structure and function output the following: SIFT: "Deleterious"; PolyPhen-2: "Benign"; Align-GVGD: "Class C25". The arginine amino acid residue is found in multiple mammalian species, suggesting that this missense change does not adversely affect protein function. These predictions have not been confirmed by published functional studies and their clinical significance is uncertain. Algorithms developed to predict the effect of sequence changes on RNA splicing suggest that this variant may create or strengthen a splice site, but this prediction has not been confirmed by published transcriptional studies. In summary, the available evidence is currently insufficient to determine the role of this variant in disease. Therefore, it has been classified as a Variant of Uncertain Significance.